The following is an entry in ClinVar:

ClinVar aggregate classification (germline): Uncertain significance (1 of 4 stars; one submission).

gnomAD v4.1: 1 of 1,614,206 alleles (0.000062%); no homozygotes.

Submission:

Labcorp Genetics (formerly Invitae), Labcorp
Classification: Uncertain significance. Last evaluated: 2022-11-04. Review status: criteria provided, single submitter. Criteria: Invitae Variant Classification Sherloc (09022015). Collection method: clinical testing. Allele origin: germline.
Comment: In summary, the available evidence is currently insufficient to determine the role of this variant in disease. Therefore, it has been classified as a Variant of Uncertain Significance. Advanced modeling of protein sequence and biophysical properties (such as structural, functional, and spatial information, amino acid conservation, physicochemical variation, residue mobility, and thermodynamic stability) performed at Invitae indicates that this missense variant is not expected to disrupt LEMD3 protein function. This variant has not been reported in the literature in individuals affected with LEMD3-related conditions. This variant is not present in population databases (gnomAD no frequency). This sequence change replaces proline, which is neutral and non-polar, with leucine, which is neutral and non-polar, at codon 403 of the LEMD3 protein (p.Pro403Leu).

NM_014319.5(LEMD3):c.1208C>T (p.Pro403Leu)

Gene: LEMD3 (LEM domain containing 3; plus strand). Cytogenetic location: 12q14.3.
Variant type: single nucleotide variant.
Coding change: c.1208C>T on transcript NM_014319.5 (MANE Select); coding-DNA position 1208, C replaced by T.
Protein change: p.Pro403Leu; replaces proline 403 with leucine.
Molecular consequence: missense variant.
Genome position (GRCh38, 1-based): chr12:65,170,804, C>T. VCF-style: chr12-65170804-C-T. GRCh37 (hg19) VCF-style: chr12-65564584-C-T.
Other names: c.1208C>T, p.Pro403Leu (NM_001167614.2); short protein forms P403L.
Identifiers: ClinVar variation 2108512 (VCV002108512.4), dbSNP rs928200603, ClinGen allele CA385675257.